The following is an entry in ClinVar:

ClinVar aggregate classification (germline): Uncertain significance (1 of 4 stars; one submission).

Allele frequency attached by ClinVar (database versions not stated): gnomAD exomes below 0.00001; ExAC 0.00001.
gnomAD v4.1: 7 of 1,613,964 alleles (0.00043%); highest among the groups gnomAD compares: Non-Finnish European, 0.00051%; no homozygotes.

Submission:

Ambry Genetics
Classification: Uncertain significance. Last evaluated: 2024-07-26. Review status: criteria provided, single submitter. Criteria: Ambry Variant Classification Scheme 2023. Collection method: clinical testing. Allele origin: germline.
Comment: The p.S289G variant (also known as c.865A>G), located in coding exon 8 of the RAD54L gene, results from an A to G substitution at nucleotide position 865. The serine at codon 289 is replaced by glycine, an amino acid with similar properties. This amino acid position is conserved. In addition, this alteration is predicted to be tolerated by in silico analysis. Since supporting evidence is limited at this time, the clinical significance of this alteration remains unclear.

NM_003579.4(RAD54L):c.865A>G (p.Ser289Gly)

Gene: RAD54L (RAD54 like; plus strand). Cytogenetic location: 1p34.1.
Variant type: single nucleotide variant.
Coding change: c.865A>G on transcript NM_003579.4 (MANE Select); coding-DNA position 865, A replaced by G.
Protein change: p.Ser289Gly; replaces serine 289 with glycine.
Molecular consequence: missense variant.
Genome position (GRCh38, 1-based): chr1:46,261,359, A>G. VCF-style: chr1-46261359-A-G. GRCh37 (hg19) VCF-style: chr1-46727031-A-G.
Other names: c.865A>G, p.Ser289Gly (NM_001142548.2); c.325A>G, p.Ser109Gly (NM_001370766.1); short protein forms S289G, S109G.
Identifiers: ClinVar variation 1764206 (VCV001764206.3), dbSNP rs751093452, ClinGen allele CA834389.